The following is an entry in ClinVar:

NM_006231.4(POLE):c.778C>T (p.Arg260Ter)

Gene: POLE (DNA polymerase epsilon, catalytic subunit; minus strand). Cytogenetic location: 12q24.33.
Variant type: single nucleotide variant.
Coding change: c.778C>T on transcript NM_006231.4 (MANE Select); coding-DNA position 778, C replaced by T.
Protein change: p.Arg260Ter; replaces arginine 260 with a stop codon.
Molecular consequence: nonsense.
Genome position (GRCh38, 1-based): chr12:132,677,386, G>A on the plus strand (C>T on the coding strand, the complement: POLE is on the minus strand). VCF-style: chr12-132677386-G-A. GRCh37 (hg19) VCF-style: chr12-133253972-G-A.
Other names: short protein forms R260*.
Identifiers: ClinVar variation 548743 (VCV000548743.11), dbSNP rs747946229, ClinGen allele CA387364445.
Genomic context (GRCh38, chr12:132,677,386, plus strand): 5'-GAAATTTTAGGATGAAGGTAACACAAGCAAAACTTACAGGTCGTTCAACAAGGTCATCTC[G>A]GCGGGTGATTTCTACCGGAAAAGCATTTCCTCGGTATCTGACATTGTACCAATGAGCCTG-3'

ClinVar aggregate classification (germline): Conflicting classifications of pathogenicity. Review status: criteria provided, conflicting classifications (1 of 4 stars). 3 submissions from 3 submitters: Pathogenic (1); Uncertain significance (1). 1 of the submissions does not count toward it. Last evaluated 2025-09-22.

Conditions:
Hereditary cancer-predisposing syndrome. Also called: Hereditary Cancer Syndrome; Hereditary neoplastic syndrome; Tumor predisposition; Neoplastic Syndromes, Hereditary. Identifiers: Orphanet 140162, MedGen C0027672, MeSH D009386, MONDO:0015356.
Colorectal cancer, susceptibility to, 12 (CRCS12). Also called: COLORECTAL CANCER, SUSCEPTIBILITY TO, ON CHROMOSOME 12q24. Identifiers: Orphanet 220460, MedGen C3554460, MONDO:0014038, OMIM 615083.

Allele frequency attached by ClinVar (database versions not stated): gnomAD exomes below 0.00001; TOPMed 0.00001.
gnomAD v4.1: 4 of 1,613,982 alleles (0.00025%); highest among the groups gnomAD compares: Non-Finnish European, 0.00034%; no homozygotes.

Submissions (3):

Labcorp Genetics (formerly Invitae), Labcorp
Classification: Pathogenic. Last evaluated: 2025-09-22. Review status: criteria provided, single submitter. Criteria: Invitae Variant Classification Sherloc (09022015). Collection method: clinical testing. Allele origin: germline.
Comment: This sequence change creates a premature translational stop signal (p.Arg260*) in the POLE gene. It is expected to result in an absent or disrupted protein product. Loss-of-function variants in POLE are known to be pathogenic (PMID: 23230001, 25948378, 30503519). This variant is present in population databases (no rsID available, gnomAD 0.0009%). This variant has not been reported in the literature in individuals affected with POLE-related conditions. ClinVar contains an entry for this variant (Variation ID: 548743). Algorithms developed to predict the effect of sequence changes on RNA splicing suggest that this variant may disrupt the consensus splice site. For these reasons, this variant has been classified as Pathogenic.

Ambry Genetics
Classification: Uncertain significance for Hereditary cancer-predisposing syndrome. Last evaluated: 2024-12-19. Review status: criteria provided, single submitter. Criteria: Ambry Variant Classification Scheme 2023. Collection method: clinical testing. Allele origin: germline.
Comment: The p.R260* variant (also known as c.778C>T), located in coding exon 8 of the POLE gene, results from a C to T substitution at nucleotide position 778. This changes the amino acid from an arginine to a stop codon within coding exon 8. This alteration is expected to result in loss of function by premature protein truncation or nonsense-mediated mRNA decay. Loss-of-function variants subject to nonsense mediated decay (NMD) in POLE are known to cause POLE deficiency; however, such associations with POLE-related polymerase proofreading-associated polyposis (PPAP) have not been reported. Based on the supporting evidence, this alteration is pathogenic for POLE deficiency; however, the association of this alteration with POLE-related PPAP is unknown.

Counsyl
Classification: Uncertain significance for Colorectal cancer, susceptibility to, 12. Last evaluated: 2017-05-03. Review status: no assertion criteria provided. Collection method: clinical testing. Allele origin: unknown. Not counted in ClinVar's aggregate classification.

Literature cited by the submitters: PubMed 23230001 (cited by Labcorp Genetics (formerly Invitae), Labcorp); PubMed 25948378 (cited by Labcorp Genetics (formerly Invitae), Labcorp); PubMed 30503519 (cited by Labcorp Genetics (formerly Invitae), Labcorp).